The following is an entry in ClinVar:

ClinVar aggregate classification (germline): Uncertain significance (1 of 4 stars; one submission).

gnomAD v4.1: 27 of 1,614,200 alleles (0.0017%); highest among the groups gnomAD compares: Non-Finnish European, 0.0022%; no homozygotes.

Submission:

Labcorp Genetics (formerly Invitae), Labcorp
Classification: Uncertain significance. Last evaluated: 2024-10-22. Review status: criteria provided, single submitter. Criteria: Invitae Variant Classification Sherloc (09022015). Collection method: clinical testing. Allele origin: germline.
Comment: This sequence change replaces valine, which is neutral and non-polar, with methionine, which is neutral and non-polar, at codon 1138 of the MCM3AP protein (p.Val1138Met). This variant is present in population databases (rs748339971, gnomAD 0.003%). This variant has not been reported in the literature in individuals affected with MCM3AP-related conditions. ClinVar contains an entry for this variant (Variation ID: 1950171). An algorithm developed to predict the effect of missense changes on protein structure and function outputs the following: PolyPhen-2: "Benign". The methionine amino acid residue is found in multiple mammalian species, which suggests that this missense change does not adversely affect protein function. In summary, the available evidence is currently insufficient to determine the role of this variant in disease. Therefore, it has been classified as a Variant of Uncertain Significance.

NM_003906.5(MCM3AP):c.3412G>A (p.Val1138Met)

Gene: MCM3AP (minichromosome maintenance complex component 3 associated protein; minus strand). Cytogenetic location: 21q22.3.
Variant type: single nucleotide variant.
Coding change: c.3412G>A on transcript NM_003906.5 (MANE Select); coding-DNA position 3412, G replaced by A.
Protein change: p.Val1138Met; replaces valine 1138 with methionine.
Molecular consequence: missense variant.
Genome position (GRCh38, 1-based): chr21:46,261,335, C>T on the plus strand (G>A on the coding strand, the complement: MCM3AP is on the minus strand). VCF-style: chr21-46261335-C-T. GRCh37 (hg19) VCF-style: chr21-47681249-C-T.
Other names: short protein forms V1138M.
Identifiers: ClinVar variation 1950171 (VCV001950171.5), dbSNP rs748339971, ClinGen allele CA10076503.